The following is an entry in ClinVar:

NM_013322.3(SNX10):c.160T>C (p.Tyr54His)

Gene: SNX10 (sorting nexin 10; plus strand). Cytogenetic location: 7p15.2.
Variant type: single nucleotide variant.
Coding change: c.160T>C on transcript NM_013322.3 (MANE Select); coding-DNA position 160, T replaced by C.
Protein change: p.Tyr54His; replaces tyrosine 54 with histidine.
Molecular consequence: missense variant. On other transcripts: intron variant (1).
Genome position (GRCh38, 1-based): chr7:26,364,583, T>C. VCF-style: chr7-26364583-T-C. GRCh37 (hg19) VCF-style: chr7-26404203-T-C.
Other names: c.160T>C, p.Tyr54His (NM_001199835.1, NM_001318199.3); c.151T>C, p.Tyr51His (NM_001199837.3); c.238T>C, p.Tyr80His (NM_001318198.1, NM_001362753.1, NM_001362754.1); c.-41+81T>C (NM_001199838.2); short protein forms Y51H, Y54H, Y80H.
Identifiers: ClinVar variation 2114434 (VCV002114434.4), dbSNP rs2536151203, ClinGen allele CA367228116.
Genomic context (GRCh38, chr7:26,364,583, plus strand): 5'-TTCTCTGTACAGACTAATAGCATGTGTTTTACAATGAAAACATCCTGTGTACGAAGAAGA[T>C]ATAGAGAATTCGTGTGGCTGAGGCAGAGACTCCAAAGTAATGCGTTGCTGGTGTAAGTGA-3'
Protein context (NP_037454.2, residues 44-64): TMKTSCVRRR[Tyr54His]REFVWLRQRL

ClinVar aggregate classification (germline): Uncertain significance (1 of 4 stars; one submission).

Allele frequency attached by ClinVar (database versions not stated): gnomAD exomes below 0.00001.
gnomAD v4.1: 3 of 1,614,064 alleles (0.00019%); highest among the groups gnomAD compares: South Asian, 0.0011%; no homozygotes.

Submission:

Labcorp Genetics (formerly Invitae), Labcorp
Classification: Uncertain significance. Last evaluated: 2022-03-19. Review status: criteria provided, single submitter. Criteria: Invitae Variant Classification Sherloc (09022015). Collection method: clinical testing. Allele origin: germline.
Comment: This variant is not present in population databases (gnomAD no frequency). This sequence change replaces tyrosine, which is neutral and polar, with histidine, which is basic and polar, at codon 54 of the SNX10 protein (p.Tyr54His). This variant has not been reported in the literature in individuals affected with SNX10-related conditions. In summary, the available evidence is currently insufficient to determine the role of this variant in disease. Therefore, it has been classified as a Variant of Uncertain Significance. Algorithms developed to predict the effect of missense changes on protein structure and function are either unavailable or do not agree on the potential impact of this missense change (SIFT: "Deleterious"; PolyPhen-2: "Probably Damaging"; Align-GVGD: "Class C0").